The following is an entry in ClinVar:

ClinVar aggregate classification (germline): Uncertain significance (1 of 4 stars; one submission).

Conditions:
Osteogenesis imperfecta type 7 (OI7). Also called: OI type 7; OI type VII; OSTEOGENESIS IMPERFECTA, TYPE IIB; Osteogenesis imperfecta type 2B; OI type 2B; Osteogenesis imperfecta, perinatal lethal autosomal recessive. Identifiers: MedGen C1853162, MONDO:0012536, OMIM 610682.

Allele frequency attached by ClinVar (database versions not stated): 1000 Genomes Project 30x 0.00031.

Submission:

Labcorp Genetics (formerly Invitae), Labcorp
Classification: Uncertain significance for Osteogenesis imperfecta type 7. Last evaluated: 2021-09-19. Review status: criteria provided, single submitter. Criteria: Invitae Variant Classification Sherloc (09022015). Collection method: clinical testing. Allele origin: germline.
Comment: This sequence change replaces glycine with valine at codon 110 of the CRTAP protein (p.Gly110Val). The glycine residue is moderately conserved and there is a moderate physicochemical difference between glycine and valine. The frequency data for this variant in the population databases is considered unreliable, as metrics indicate insufficient coverage at this position in the ExAC database. This variant has not been reported in the literature in individuals affected with CRTAP-related conditions. Algorithms developed to predict the effect of missense changes on protein structure and function (SIFT, PolyPhen-2, Align-GVGD) all suggest that this variant is likely to be tolerated. In summary, the available evidence is currently insufficient to determine the role of this variant in disease. Therefore, it has been classified as a Variant of Uncertain Significance.

NM_006371.5(CRTAP):c.329G>T (p.Gly110Val)

Gene: CRTAP (cartilage associated protein; plus strand). Cytogenetic location: 3p22.3.
Variant type: single nucleotide variant.
Coding change: c.329G>T on transcript NM_006371.5 (MANE Select); coding-DNA position 329, G replaced by T.
Protein change: p.Gly110Val; replaces glycine 110 with valine.
Molecular consequence: missense variant.
Genome position (GRCh38, 1-based): chr3:33,114,406, G>T. VCF-style: chr3-33114406-G-T. GRCh37 (hg19) VCF-style: chr3-33155898-G-T.
Other names: c.329G>T, p.Gly110Val (NM_001393363.1, NM_001393364.1, NM_001393365.1); short protein forms G110V.
Identifiers: ClinVar variation 1419890 (VCV001419890.3), dbSNP rs761073068, ClinGen allele CA352008630.